The following is an entry in ClinVar:

ClinVar aggregate classification (germline): Uncertain significance (1 of 4 stars; one submission).

Submission:

CeGaT Center for Human Genetics Tuebingen
Classification: Uncertain significance. Last evaluated: 2026-07-01. Review status: criteria provided, single submitter. Criteria: CeGaT Center For Human Genetics Tuebingen Variant Classification Criteria Version 2. Collection method: clinical testing. Allele origin: germline. Affected: yes. Observed: 1 variant allele.
Comment: ASH1L: PM2, BP4

NM_018489.3(ASH1L):c.4976C>T (p.Thr1659Ile)

Gene: ASH1L (ASH1 like histone lysine methyltransferase; minus strand). Cytogenetic location: 1q22.
Variant type: single nucleotide variant.
Coding change: c.4976C>T on transcript NM_018489.3 (MANE Select); coding-DNA position 4976, C replaced by T.
Protein change: p.Thr1659Ile; replaces threonine 1659 with isoleucine.
Molecular consequence: missense variant.
Genome position (GRCh38, 1-based): chr1:155,477,894, G>A on the plus strand (C>T on the coding strand, the complement: ASH1L is on the minus strand). VCF-style: chr1-155477894-G-A. GRCh37 (hg19) VCF-style: chr1-155447685-G-A.
Other names: c.4976C>T, p.Thr1659Ile (NM_001366177.2); short protein forms T1659I.
Identifiers: ClinVar variation 5040237 (VCV005040237.1).
Genomic context (GRCh38, chr1:155,477,894, plus strand): 5'-GAAAATAACCTATTTCTTTAACAAATAACAGGTAACAAAATAACCCTCTTACCTGCCAAA[G>A]TCTGTACTGCCCTTTCGTTAGAAGGCAGTGACTCCTTTCTGTGAAGCCGATTTAGTGAAG-3'
Protein context (NP_060959.2, residues 1649-1669): SLPSNERAVQ[Thr1659Ile]LAGSQPTSDK